The following is an entry in ClinVar:

NM_013352.4(DSE):c.2799del (p.Arg933fs)

Gene: DSE (dermatan sulfate epimerase; plus strand). Cytogenetic location: 6q22.1.
Variant type: Deletion.
Coding change: c.2799del on transcript NM_013352.4 (MANE Select); coding-DNA position 2799, one base deleted (A; older notation c.2799delA).
Protein change: p.Arg933fs; shifts the reading frame from arginine 933.
Molecular consequence: frameshift variant. On other transcripts: 3 prime UTR variant (2), non-coding transcript variant (1).
Genome position (GRCh38, 1-based): chr6:116,437,267, A deleted. VCF-style (leftmost placement, unchanged base first): chr6-116437266-GA-G. GRCh37 (hg19) VCF-style: chr6-116758429-GA-G.
Other names: c.2799del, p.Arg933fs (NM_001080976.3, NM_001322937.2, NM_001322938.2); c.2856del, p.Arg952fs (NM_001322939.2); c.2238del, p.Arg746fs (NM_001322940.2, NM_001322941.2); c.*1664del (NM_001322943.2, NM_001322944.2); c.1800del, p.Arg600fs (NM_001374520.1); c.1764del, p.Arg588fs (NM_001374521.1); short protein forms R588fs, R746fs, R933fs, R600fs, R952fs.
Identifiers: ClinVar variation 1500119 (VCV001500119.6), dbSNP rs1339083714, ClinGen allele CA570037886.
Genomic context (GRCh38, chr6:116,437,266, plus strand): 5'-TTGTCATGTTGGCAATGCAACTGACTTATTTCCAGAGGGCCCAGAGCCTACATGGCCAAA[GA>G]TGTCTTTATGCAGTTCTTCTCATAGATAGCTGTATTTTATTATGGTTGTACTCTTCTTGT-3'

ClinVar aggregate classification (germline): Uncertain significance (1 of 4 stars; one submission).

Conditions:
Ehlers-Danlos syndrome, musculocontractural type 2 (EDSMC2). Identifiers: Orphanet 2953, MedGen C3809845, MONDO:0014236, OMIM 615539.

Allele frequency attached by ClinVar (database versions not stated): gnomAD exomes below 0.00001.

Submission:

Labcorp Genetics (formerly Invitae), Labcorp
Classification: Uncertain significance for Ehlers-Danlos syndrome, musculocontractural type 2. Last evaluated: 2021-10-28. Review status: criteria provided, single submitter. Criteria: Invitae Variant Classification Sherloc (09022015). Collection method: clinical testing. Allele origin: germline.
Comment: This sequence change creates a premature translational stop signal (p.Arg933Serfs*9) in the DSE gene. While this is not anticipated to result in nonsense mediated decay, it is expected to disrupt the last 26 amino acid(s) of the DSE protein. In summary, the available evidence is currently insufficient to determine the role of this variant in disease. Therefore, it has been classified as a Variant of Uncertain Significance. Experimental studies and prediction algorithms are not available or were not evaluated, and the functional significance of this variant is currently unknown. This variant has not been reported in the literature in individuals affected with DSE-related conditions. This variant is present in population databases (no rsID available, gnomAD 0.0009%).